The following is an entry in ClinVar:

ClinVar aggregate classification (germline): Uncertain significance. Review status: criteria provided, multiple submitters, no conflicts (2 of 4 stars). 3 submissions from 3 submitters: Uncertain significance (3). Last evaluated 2025-11-26.

Allele frequency attached by ClinVar (database versions not stated): ExAC 0.00017; ESP Exome Variant Server 0.00008; TOPMed 0.00014; gnomAD 0.00011.

Submissions (3):

Women's Health and Genetics/Laboratory Corporation of America, LabCorp
Classification: Uncertain significance. Last evaluated: 2025-11-26. Review status: criteria provided, single submitter. Criteria: LabCorp Variant Classification Summary - May 2015. Collection method: clinical testing. Allele origin: germline.
Comment: Variant summary: FGB c.956C>T (p.Pro319Leu) results in a non-conservative amino acid change located in the fibrinogen, alpha/beta/gamma chain, C-terminal globular domain (IPR002181) of the encoded protein sequence. Algorithms developed to predict the effect of missense changes on protein structure and function all suggest that this variant is likely to be disruptive. Several computational tools predict a significant impact on normal splicing: One predict the variant abolishes a 5 splicing donor site. Two predict the variant weakens a 5' donor site. One predict the variant no significant impact on splicing. However, these predictions have yet to be confirmed by functional studies. The variant allele was found at a frequency of 0.00014 in 250950 control chromosomes. This frequency is not significantly higher than estimated for disease-causing variants in FGB, allowing no conclusion about variant significance. To our knowledge, no occurrence of c.956C>T in individuals affected with FGB-related conditions and no experimental evidence demonstrating its impact on protein function have been reported. ClinVar contains an entry for this variant (Variation ID: 2041049). Based on the evidence outlined above, the variant was classified as uncertain significance.

Center for Genomic Medicine, Rigshospitalet, Copenhagen University Hospital
Classification: Uncertain significance. Last evaluated: 2025-03-04. Review status: criteria provided, single submitter. Criteria: ACMG Guidelines, 2015. Collection method: clinical testing. Allele origin: germline.

Labcorp Genetics (formerly Invitae), Labcorp
Classification: Uncertain significance. Last evaluated: 2022-07-06. Review status: criteria provided, single submitter. Criteria: Invitae Variant Classification Sherloc (09022015). Collection method: clinical testing. Allele origin: germline.
Comment: This sequence change replaces proline, which is neutral and non-polar, with leucine, which is neutral and non-polar, at codon 319 of the FGB protein (p.Pro319Leu). This variant is present in population databases (rs374463429, gnomAD 0.03%). This variant has not been reported in the literature in individuals affected with FGB-related conditions. Algorithms developed to predict the effect of missense changes on protein structure and function are either unavailable or do not agree on the potential impact of this missense change (SIFT: "Deleterious"; PolyPhen-2: "Probably Damaging"; Align-GVGD: "Class C0"). In summary, the available evidence is currently insufficient to determine the role of this variant in disease. Therefore, it has been classified as a Variant of Uncertain Significance.

NM_005141.5(FGB):c.956C>T (p.Pro319Leu)

Gene: FGB (fibrinogen beta chain; plus strand). Cytogenetic location: 4q31.3.
Variant type: single nucleotide variant.
Coding change: c.956C>T on transcript NM_005141.5 (MANE Select); coding-DNA position 956, C replaced by T.
Protein change: p.Pro319Leu; replaces proline 319 with leucine.
Molecular consequence: missense variant. On other transcripts: intron variant (1).
Genome position (GRCh38, 1-based): chr4:154,569,305, C>T. VCF-style: chr4-154569305-C-T. GRCh37 (hg19) VCF-style: chr4-155490457-C-T.
Other names: c.956C>T, p.Pro319Leu (NM_001382765.1, NM_001382760.1, NM_001382761.1 and 1 more transcripts); c.746-296C>T (NM_001382762.1); c.779C>T, p.Pro260Leu (NM_001184741.1); c.824C>T, p.Pro275Leu (NM_001382759.1); c.947C>T, p.Pro316Leu (NM_001382763.1); short protein forms P260L, P275L, P316L, P319L.
Identifiers: ClinVar variation 2041049 (VCV002041049.9), dbSNP rs374463429, ClinGen allele CA3114674.